The following is an entry in ClinVar:

NM_025114.4(CEP290):c.2379_2381del (p.Asn793del)

Gene: CEP290 (centrosomal protein 290; minus strand). Cytogenetic location: 12q21.32.
Variant type: Deletion.
Coding change: c.2379_2381del on transcript NM_025114.4 (MANE Select); coding-DNA positions 2379 to 2381, 3 bases deleted (TAA; older notation c.2379_2381delTAA).
Protein change: p.Asn793del; deletes asparagine 793.
Molecular consequence: inframe deletion.
Genome position (GRCh38, 1-based): chr12:88,109,168-88,109,170, TTA deleted on the plus strand (TAA on the coding strand, the reverse complement: CEP290 is on the minus strand); deleting any 3 consecutive bases within chr12:88,109,168-88,109,172 gives the same sequence; the c. name uses the placement nearest the transcript's 3' end. VCF-style (leftmost placement, unchanged base first): chr12-88109167-TTTA-T. GRCh37 (hg19) VCF-style: chr12-88502944-TTTA-T.
Other names: c.2379_2381delTAA (NM_025114.3); short protein forms N793del.
Identifiers: ClinVar variation 934748 (VCV000934748.9), dbSNP rs2038499476, ClinGen allele CA1139662806.

ClinVar aggregate classification (germline): Uncertain significance. Review status: criteria provided, multiple submitters, no conflicts (2 of 4 stars). 3 submissions from 3 submitters: Uncertain significance (2). 1 of the submissions does not count toward it. Last evaluated 2025-12-19.

Conditions:
CEP290-related disorder. Also called: CEP290-related condition; CEP290-related disorders. Identifiers: MedGen CN239314.
Nephronophthisis. Also called: Juvenile Nephronophthisis. Identifiers: Orphanet 655, MedGen C0687120, MONDO:0019005, HP:0000090.
Meckel-Gruber syndrome. Also called: DYSENCEPHALIA SPLANCHNOCYSTICA; Dysencephalia splachnocystica; GRUBER SYNDROME. Identifiers: Orphanet 564, MedGen C0265215, MONDO:0018921.
Joubert syndrome. Also called: Familial aplasia of the vermis; JOUBERT-BOLTSHAUSER SYNDROME. Identifiers: Orphanet 475, MedGen C5979921, MONDO:0018772.
Leber congenital amaurosis (LCA). Also called: Leber's amaurosis. Identifiers: Orphanet 65, MedGen C0339527, MeSH D057130, MONDO:0018998.

Submissions (3):

PreventionGenetics, part of Exact Sciences
Classification: Uncertain significance for CEP290-related condition. Last evaluated: 2025-12-19. Review status: criteria provided, single submitter. Criteria: ACMG Guidelines, 2015. Collection method: clinical testing. Allele origin: germline.
Comment: The CEP290 c.2379_2381delTAA variant is predicted to result in an in-frame deletion (p.Asn793del). To our knowledge, this variant has not been reported in the literature or in a large population database (gnomAD), indicating this variant is rare. At this time, the clinical significance of this variant is uncertain due to the absence of conclusive functional and genetic evidence.

Labcorp Genetics (formerly Invitae), Labcorp
Classification: Uncertain significance for Joubert syndrome; Meckel-Gruber syndrome; Nephronophthisis. Last evaluated: 2022-02-09. Review status: criteria provided, single submitter. Criteria: Invitae Variant Classification Sherloc (09022015). Collection method: clinical testing. Allele origin: germline.
Comment: This variant, c.2379_2381del, results in the deletion of 1 amino acid(s) of the CEP290 protein (p.Asn793del), but otherwise preserves the integrity of the reading frame. This variant is not present in population databases (gnomAD no frequency). This variant has not been reported in the literature in individuals affected with CEP290-related conditions. ClinVar contains an entry for this variant (Variation ID: 934748). Experimental studies and prediction algorithms are not available or were not evaluated, and the functional significance of this variant is currently unknown. In summary, the available evidence is currently insufficient to determine the role of this variant in disease. Therefore, it has been classified as a Variant of Uncertain Significance.

Natera, Inc.
Classification: Uncertain significance for Leber congenital amaurosis. Last evaluated: 2020-06-01. Review status: no assertion criteria provided. Collection method: clinical testing. Allele origin: germline. Not counted in ClinVar's aggregate classification.